The following is an entry in ClinVar:

ClinVar aggregate classification (germline): Pathogenic. Review status: criteria provided, multiple submitters, no conflicts (2 of 4 stars). 2 submissions from 2 submitters: Pathogenic (2). Last evaluated 2025-03-30.

Conditions:
Alpha-actinopathy. Also called: Actinopathy. Identifiers: MedGen CN295279, MONDO:0100084.
Actin accumulation myopathy (CMYO2A). Also called: CONGENITAL MYOPATHY 2A, TYPICAL, AUTOSOMAL DOMINANT; Nemaline myopathy type 3; Myopathy, actin, congenital, with excess of thin myofilaments; Myopathy, actin, congenital, with cores; Nemaline myopathy 3, with intranuclear rods. Identifiers: Orphanet 98904, MedGen C3711389, MONDO:0008070, OMIM 161800.

Submissions (2):

Victorian Clinical Genetics Services, Murdoch Childrens Research Institute
Classification: Pathogenic for Alpha-actinopathy. Last evaluated: 2025-03-30. Review status: criteria provided, single submitter. Criteria: ACMG Guidelines, 2015. Collection method: clinical testing. Allele origin: germline. Affected: yes.
Comment: This variant is classified as Pathogenic. Evidence in support of pathogenic classification: Variant is absent from gnomAD (v2, v3 and v4); This variant has strong previous evidence of pathogenicity in unrelated individuals. This variant has been classified as pathogenic by a clinical laboratory in ClinVar. This variant has been reported in the literature in multiple individuals with nemaline myopathy, at least two of whom were reported to be de novo (PMIDs: 12921789, 19562689, 31218456); Missense variant predicted to be damaging by in silico tool(s) or highly conserved with a major amino acid change; Additional information: Variant is predicted to result in a missense amino acid change from tyrosine to histidine; This variant is heterozygous; This gene is associated with both recessive and dominant disease. There is currently no genotype-phenotype correlation (OMIM); however, nearly all premature termination codons have been reported for the autosomal recessive disease (PMID: 19562689); Functional evidence for this variant is inconclusive. Imaging of skeletal muscle fibres from an individual with nemaline myopathy showed abnormal myonuclei morphology and significantly altered pericentrin localisation (PMID: 31218456); No comparable missense variants have previous evidence for pathogenicity. The p.(Tyr281Cys) variant has been classified as pathogenic by a clinical laboratory in ClinVar; however, the amino acid change is not considered to be comparable as it has a higher Grantham score; Variant is located in the annotated actin domain (DECIPHER); Loss of function is a known mechanism of disease and dominant negative is a likely mechanism of disease in this gene and is associated with alpha-actinopathy (MONDO:0100084). Missense variants have been shown to result in decreased actin motility and create protein aggregates within the cytoplasm, however, co-expression with wildtype was not observed (PMID: 15198992, OMIM).

Labcorp Genetics (formerly Invitae), Labcorp
Classification: Pathogenic for Actin accumulation myopathy. Last evaluated: 2020-10-26. Review status: criteria provided, single submitter. Criteria: Invitae Variant Classification Sherloc (09022015). Collection method: clinical testing. Allele origin: germline.
Comment: For these reasons, this variant has been classified as Pathogenic. Advanced modeling of protein sequence and biophysical properties (such as structural, functional, and spatial information, amino acid conservation, physicochemical variation, residue mobility, and thermodynamic stability) performed at Invitae indicates that this missense variant is expected to disrupt ACTA1 protein function. This variant has been observed in individual(s) with autosomal dominant nemaline myopathy (PMID: 12921789). In at least one individual the variant was observed to be de novo. This variant is also known as p.Tyr279His in the literature. This variant is not present in population databases (ExAC no frequency). This sequence change replaces tyrosine with histidine at codon 281 of the ACTA1 protein (p.Tyr281His). The tyrosine residue is highly conserved and there is a moderate physicochemical difference between tyrosine and histidine.

Literature cited by the submitters: PubMed 31218456 (cited by Victorian Clinical Genetics Services, Murdoch Childrens Research Institute); PubMed 12921789 (cited by Victorian Clinical Genetics Services, Murdoch Childrens Research Institute and Labcorp Genetics (formerly Invitae), Labcorp); PubMed 15198992 (cited by Victorian Clinical Genetics Services, Murdoch Childrens Research Institute); PubMed 19562689 (cited by Victorian Clinical Genetics Services, Murdoch Childrens Research Institute).

NM_001100.4(ACTA1):c.841T>C (p.Tyr281His)

Gene: ACTA1 (actin alpha 1, skeletal muscle; minus strand). Cytogenetic location: 1q42.13.
Variant type: single nucleotide variant.
Coding change: c.841T>C on transcript NM_001100.4 (MANE Select); coding-DNA position 841, T replaced by C.
Protein change: p.Tyr281His; replaces tyrosine 281 with histidine.
Molecular consequence: missense variant.
Genome position (GRCh38, 1-based): chr1:229,431,870, A>G on the plus strand (T>C on the coding strand, the complement: ACTA1 is on the minus strand). VCF-style: chr1-229431870-A-G. GRCh37 (hg19) VCF-style: chr1-229567617-A-G.
Other names: short protein forms Y281H.
Identifiers: ClinVar variation 1073998 (VCV001073998.12), dbSNP rs2102735278, ClinGen allele CA345146125.
Genomic context (GRCh38, chr1:229,431,870, plus strand): 5'-TGACGTTGTTGGCATACAGGTCCTTCCTGATGTCGATGTCACACTTCATGATGCTGTTGT[A>G]GGTGGTCTCGTGAATGCCCGCCGACTCCATACCTGGGGACCGCGGCGGGGAGCGTGAGCA-3'
Protein context (NP_001091.1, residues 271-291): MESAGIHETT[Tyr281His]NSIMKCDIDI